The following is an entry in ClinVar:

NM_000214.3(JAG1):c.470A>C (p.His157Pro)

Gene: JAG1 (jagged canonical Notch ligand 1; minus strand). Cytogenetic location: 20p12.2.
Variant type: single nucleotide variant.
Coding change: c.470A>C on transcript NM_000214.3 (MANE Select); coding-DNA position 470, A replaced by C.
Protein change: p.His157Pro; replaces histidine 157 with proline.
Molecular consequence: missense variant.
Genome position (GRCh38, 1-based): chr20:10,658,692, T>G on the plus strand (A>C on the coding strand, the complement: JAG1 is on the minus strand). VCF-style: chr20-10658692-T-G. GRCh37 (hg19) VCF-style: chr20-10639340-T-G.
Other names: short protein forms H157P.
Identifiers: ClinVar variation 1701417 (VCV001701417.33), dbSNP rs2122623835, ClinGen allele CA408240602.

ClinVar aggregate classification (germline): Uncertain significance (1 of 4 stars; one submission).

Submissions (2):

CeGaT Center for Human Genetics Tuebingen
Classification: Uncertain significance. Last evaluated: 2024-01-01. Review status: criteria provided, single submitter. Criteria: CeGaT Center For Human Genetics Tuebingen Variant Classification Criteria Version 2. Collection method: clinical testing. Allele origin: germline. Affected: yes. Observed: 2 variant alleles.
Comment: JAG1: PM2, PP2

Gilbert/Spinner Lab, Children's Hospital of Philadelphia
No classification provided (evidence only). Condition: Alagille syndrome. Review status: no classification provided. Collection method: research. Allele origin: not applicable. Functional consequence: functionally_abnormal. Not counted in ClinVar's aggregate classification.
ClinVar note: "not provided" was previously submitted as the classification for the variant. However, the classification appeared to be based only on an observation of functional data so it was converted to no classification on 2025-07-30.